The following is an entry in ClinVar:

NM_015378.4(VPS13D):c.9575G>A (p.Cys3192Tyr)

Gene: VPS13D (vacuolar protein sorting 13 homolog D; plus strand). Cytogenetic location: 1p36.22.
Variant type: single nucleotide variant.
Coding change: c.9575G>A on transcript NM_015378.4 (MANE Select); coding-DNA position 9575, G replaced by A.
Protein change: p.Cys3192Tyr; replaces cysteine 3192 with tyrosine.
Molecular consequence: missense variant.
Genome position (GRCh38, 1-based): chr1:12,354,117, G>A. VCF-style: chr1-12354117-G-A. GRCh37 (hg19) VCF-style: chr1-12414174-G-A.
Other names: c.9500G>A, p.Cys3167Tyr (NM_018156.4); short protein forms C3167Y, C3192Y.
Identifiers: ClinVar variation 1923577 (VCV001923577.5), dbSNP rs1643865837, ClinGen allele CA338494489.

ClinVar aggregate classification (germline): Uncertain significance (1 of 4 stars; one submission).

Allele frequency attached by ClinVar (database versions not stated): TOPMed below 0.00001; gnomAD 0.00001; gnomAD exomes 0.00002.
gnomAD v4.1: 37 of 1,614,052 alleles (0.0023%); highest among the groups gnomAD compares: Non-Finnish European, 0.003%; no homozygotes.

Submission:

Labcorp Genetics (formerly Invitae), Labcorp
Classification: Uncertain significance. Last evaluated: 2022-05-05. Review status: criteria provided, single submitter. Criteria: Invitae Variant Classification Sherloc (09022015). Collection method: clinical testing. Allele origin: germline.
Comment: This variant has not been reported in the literature in individuals affected with VPS13D-related conditions. This sequence change replaces cysteine, which is neutral and slightly polar, with tyrosine, which is neutral and polar, at codon 3192 of the VPS13D protein (p.Cys3192Tyr). This variant is not present in population databases (gnomAD no frequency). Algorithms developed to predict the effect of missense changes on protein structure and function are either unavailable or do not agree on the potential impact of this missense change (SIFT: "Not Available"; PolyPhen-2: "Benign"; Align-GVGD: "Not Available"). In summary, the available evidence is currently insufficient to determine the role of this variant in disease. Therefore, it has been classified as a Variant of Uncertain Significance.